The following is an entry in ClinVar:

NM_001110556.2(FLNA):c.7919G>T (p.Ser2640Ile)

Genes: FLNA (filamin A; minus strand), LOC107988032 (Xq28 proximal FLNA-EMD recombination region; plus strand). Cytogenetic location: Xq28.
Variant type: single nucleotide variant.
Coding change: c.7919G>T on transcript NM_001110556.2 (MANE Select); coding-DNA position 7919, G replaced by T.
Protein change: p.Ser2640Ile; replaces serine 2640 with isoleucine.
Molecular consequence: missense variant.
Genome position (GRCh38, 1-based): chrX:154,348,874, C>A on the plus strand (G>T on the coding strand, the complement: FLNA is on the minus strand). VCF-style: chrX-154348874-C-A. GRCh37 (hg19) VCF-style: chrX-153577242-C-A.
Other names: c.7895G>T, p.Ser2632Ile (NM_001456.4); short protein forms S2640I, S2632I.
Identifiers: ClinVar variation 533563 (VCV000533563.10), dbSNP rs1557175110, ClinGen allele CA415176952.

ClinVar aggregate classification (germline): Uncertain significance (1 of 4 stars; one submission).

Conditions:
Melnick-Needles syndrome (MNS). Also called: MELNICK-NEEDLES OSTEODYSPLASTY; Melnick-Needles Syndrome (FLNA-MNS); OSTEODYSPLASTY OF MELNICK AND NEEDLES. Identifiers: Orphanet 2484, MedGen C0025237, MONDO:0010650, OMIM 309350.
Frontometaphyseal dysplasia (FMD1). Identifiers: Orphanet 1826, MedGen C0265293, MONDO:0015942.
Heterotopia, periventricular, X-linked dominant (PVNH1). Also called: PERIVENTRICULAR NODULAR HETEROTOPIA 4; HETEROTOPIA, PERIVENTRICULAR, 1; PERIVENTRICULAR NODULAR HETEROTOPIA 1; X-linked periventricular heterotopia. Identifiers: Orphanet 2149, Orphanet 82004, MedGen C1848213, MONDO:0010233, OMIM 300049.
Oto-palato-digital syndrome, type II (OPD2). Also called: Otopalatodigital Syndrome Type 2 (FLNA-OPD2); FACIOPALATOOSSEOUS SYNDROME; OPD II SYNDROME; Otopalatodigital Syndrome, Type II. Identifiers: Orphanet 669, Orphanet 90652, MedGen C1844696, MONDO:0010571, OMIM 304120.

Submission:

Labcorp Genetics (formerly Invitae), Labcorp
Classification: Uncertain significance for Oto-palato-digital syndrome, type II; Heterotopia, periventricular, X-linked dominant; Frontometaphyseal dysplasia; Melnick-Needles syndrome. Last evaluated: 2022-09-07. Review status: criteria provided, single submitter. Criteria: Invitae Variant Classification Sherloc (09022015). Collection method: clinical testing. Allele origin: germline.
Comment: This sequence change replaces serine, which is neutral and polar, with isoleucine, which is neutral and non-polar, at codon 2632 of the FLNA protein (p.Ser2632Ile). This variant is not present in population databases (gnomAD no frequency). This missense change has been observed in individual(s) with periventricular heterotopia (PMID: 25686753). This variant is also known as c.7919G>T, p.Ser2640Ile. ClinVar contains an entry for this variant (Variation ID: 533563). Advanced modeling of protein sequence and biophysical properties (such as structural, functional, and spatial information, amino acid conservation, physicochemical variation, residue mobility, and thermodynamic stability) performed at Invitae indicates that this missense variant is expected to disrupt FLNA protein function. In summary, the available evidence is currently insufficient to determine the role of this variant in disease. Therefore, it has been classified as a Variant of Uncertain Significance.

Literature cited by the submitters: PubMed 25686753.